The following is an entry in ClinVar:

ClinVar aggregate classification (germline): Pathogenic (1 of 4 stars; one submission).

Conditions:
Hereditary cancer-predisposing syndrome. Also called: Hereditary Cancer Syndrome; Hereditary neoplastic syndrome; Tumor predisposition; Neoplastic Syndromes, Hereditary. Identifiers: Orphanet 140162, MedGen C0027672, MeSH D009386, MONDO:0015356.

Submission:

Ambry Genetics
Classification: Pathogenic for Hereditary cancer-predisposing syndrome. Last evaluated: 2021-08-20. Review status: criteria provided, single submitter. Criteria: Ambry Variant Classification Scheme 2023. Collection method: clinical testing. Allele origin: germline.
Comment: The c.250_257dupGAAGAGCT pathogenic mutation, located in coding exon 4 of the BRCA1 gene, results from a duplication of GAAGAGCT at nucleotide position 250, causing a translational frameshift with a predicted alternate stop codon (p.L87Kfs*4). This variant is considered to be rare based on population cohorts in the Genome Aggregation Database (gnomAD). This alteration is expected to result in loss of function by premature protein truncation or nonsense-mediated mRNA decay. As such, this alteration is interpreted as a disease-causing mutation. This nucleotide region is well conserved in available vertebrate species.

NM_007294.4(BRCA1):c.250_257dup (p.Leu87fs)

Gene: BRCA1 (BRCA1 DNA repair associated; minus strand). Cytogenetic location: 17q21.31.
Variant type: Duplication.
Coding change: c.250_257dup on transcript NM_007294.4 (MANE Select); coding-DNA positions 250 to 257, 8 bases duplicated (GAAGAGCT; older notation c.250_257dupGAAGAGCT).
Protein change: p.Leu87fs; shifts the reading frame from leucine 87.
Molecular consequence: frameshift variant. On other transcripts: non-coding transcript variant (1).
Genome position (GRCh38, 1-based): chr17:43,104,912-43,104,919, AGCTCTTC duplicated on the plus strand (GAAGAGCT on the coding strand, the reverse complement: BRCA1 is on the minus strand); duplicating any 8 consecutive bases within chr17:43,104,912-43,104,920 gives the same sequence; the c. name uses the placement nearest the transcript's 3' end. VCF-style (leftmost placement, unchanged base first): chr17-43104911-T-TAGCTCTTC. GRCh37 (hg19) VCF-style: chr17-41256928-T-TAGCTCTTC.
Other names: c.249_256dup, p.Leu87Lysfs (NM_001407665.1, NM_001407666.1, NM_001407667.1 and 166 more transcripts); c.108_115dup, p.Leu40Lysfs (NM_001407692.1, NM_001407694.1, NM_001407695.1 and 98 more transcripts); c.39_46dup, p.Leu17Lysfs (NM_001407853.1, NM_001407879.1, NM_001407881.1 and 58 more transcripts); c.171_178dup, p.Leu61Lysfs (NM_001407862.1, NM_001407874.1, NM_001407875.1 and 21 more transcripts); c.-133_-126dup (NM_001407959.1, NM_001407960.1, NM_001407962.1 and 4 more transcripts); c.117_124dup, p.Leu43Lysfs (NM_001408451.1); c.109_116dup, p.Leu40fs (NM_007297.4); c.250_257dup, p.Leu87fs (NM_007299.4, NM_007300.4); and 1 more; short protein forms L87fs, L40fs.
Identifiers: ClinVar variation 1792243 (VCV001792243.2), dbSNP rs2552254639, ClinGen allele CA2580093819.